The following is an entry in ClinVar:

ClinVar aggregate classification (germline): Uncertain significance (1 of 4 stars; one submission).

Conditions:
Ullrich congenital muscular dystrophy 2 (UCMD2). Identifiers: Orphanet 75840, MedGen C4225314, MONDO:0014654, OMIM 616470.
Bethlem myopathy 2 (BTHLM2). Identifiers: Orphanet 536516, Orphanet 610, MedGen C4225313, MONDO:0034022, OMIM 616471.

Allele frequency attached by ClinVar (database versions not stated): gnomAD 0.00001; TOPMed 0.00002.
gnomAD v4.1: 18 of 1,592,382 alleles (0.0011%); highest among the groups gnomAD compares: Admixed American, 0.0017%; no homozygotes.

Submission:

Labcorp Genetics (formerly Invitae), Labcorp
Classification: Uncertain significance for Bethlem myopathy 2; Ullrich congenital muscular dystrophy 2. Last evaluated: 2025-10-02. Review status: criteria provided, single submitter. Criteria: Invitae Variant Classification Sherloc (09022015). Collection method: clinical testing. Allele origin: germline.
Comment: This sequence change replaces glycine, which is neutral and non-polar, with aspartic acid, which is acidic and polar, at codon 115 of the COL12A1 protein (p.Gly115Asp). This variant is present in population databases (rs749832842, gnomAD 0.003%). This missense change has been observed in individual(s) with clinical features of COL12A1-related conditions (internal data). ClinVar contains an entry for this variant (Variation ID: 951594). An algorithm developed to predict the effect of missense changes on protein structure and function (PolyPhen-2) suggests that this variant is likely to be disruptive. In summary, the available evidence is currently insufficient to determine the role of this variant in disease. Therefore, it has been classified as a Variant of Uncertain Significance.

NM_004370.6(COL12A1):c.344G>A (p.Gly115Asp)

Gene: COL12A1 (collagen type XII alpha 1 chain; minus strand). Cytogenetic location: 6q13.
Variant type: single nucleotide variant.
Coding change: c.344G>A on transcript NM_004370.6 (MANE Select); coding-DNA position 344, G replaced by A.
Protein change: p.Gly115Asp; replaces glycine 115 with aspartic acid.
Molecular consequence: missense variant. On other transcripts: intron variant (1).
Genome position (GRCh38, 1-based): chr6:75,191,751, C>T on the plus strand (G>A on the coding strand, the complement: COL12A1 is on the minus strand). VCF-style: chr6-75191751-C-T. GRCh37 (hg19) VCF-style: chr6-75901467-C-T.
Other names: c.73+10969G>A (NM_080645.3); short protein forms G115D.
Identifiers: ClinVar variation 951594 (VCV000951594.8), dbSNP rs749832842, ClinGen allele CA3894451.
Genomic context (GRCh38, chr6:75,191,751, plus strand): 5'-AAACACTCACTTTGTATCTCGGTTTTTCCAGGTTTCTTCTCCACTGGCTTTGTCGAACTA[C>T]CTGTTTGAACTAAGTTAAAACTTTATTATTACAAAAGGAAATGAACCCAAGCAGATATTC-3'
Protein context (NP_004361.3, residues 105-125): PVIGQLTIQT[Gly115Asp]SSTKPVEKKP